The following is an entry in ClinVar:

ClinVar aggregate classification (germline): Uncertain significance (1 of 4 stars; one submission).

Conditions:
PRKCG-related disorder. Also called: PRKCG-related condition.

Submission:

PreventionGenetics, part of Exact Sciences
Classification: Uncertain significance for PRKCG-related condition. Last evaluated: 2023-05-01. Review status: criteria provided, single submitter. Criteria: ACMG Guidelines, 2015. Collection method: clinical testing. Allele origin: germline.
Comment: The PRKCG c.2020A>T variant is predicted to result in the amino acid substitution p.Thr674Ser. To our knowledge, this variant has not been reported in the literature or in a large population database, indicating this variant is rare. At this time, the clinical significance of this variant is uncertain due to the absence of conclusive functional and genetic evidence.

NM_002739.5(PRKCG):c.2020A>T (p.Thr674Ser)

Gene: PRKCG (protein kinase C gamma; plus strand). Cytogenetic location: 19q13.42.
Variant type: single nucleotide variant.
Coding change: c.2020A>T on transcript NM_002739.5 (MANE Select); coding-DNA position 2020, A replaced by T.
Protein change: p.Thr674Ser; replaces threonine 674 with serine.
Molecular consequence: missense variant.
Genome position (GRCh38, 1-based): chr19:53,906,821, A>T. VCF-style: chr19-53906821-A-T. GRCh37 (hg19) VCF-style: chr19-54410075-A-T.
Other names: c.2020A>T, p.Thr674Ser (NM_001316329.2); short protein forms T674S.
Identifiers: ClinVar variation 2633340 (VCV002633340.1), dbSNP rs2514587233, ClinGen allele CA407420550.